The following is an entry in ClinVar:

ClinVar aggregate classification (germline): Benign/Likely benign. Review status: criteria provided, multiple submitters, no conflicts (2 of 4 stars). 2 submissions from 2 submitters: Benign (1); Likely benign (1). Last evaluated 2026-01-24.

Conditions:
Autosomal recessive limb-girdle muscular dystrophy type 2J (LGMDR10). Also called: Limb-girdle muscular dystrophy, type 2J; MUSCULAR DYSTROPHY, LIMB-GIRDLE, AUTOSOMAL RECESSIVE 10. Identifiers: Orphanet 140922, MedGen C1837342, MONDO:0012127, OMIM 608807.
Dilated cardiomyopathy 1G (CMD1G). Identifiers: Orphanet 154, MedGen C1858763, MONDO:0011400, OMIM 604145.

Submissions (2):

Labcorp Genetics (formerly Invitae), Labcorp
Classification: Likely benign for Dilated cardiomyopathy 1G; Autosomal recessive limb-girdle muscular dystrophy type 2J. Last evaluated: 2026-01-24. Review status: criteria provided, single submitter. Criteria: Invitae Variant Classification Sherloc (09022015). Collection method: clinical testing. Allele origin: germline.

Women's Health and Genetics/Laboratory Corporation of America, LabCorp
Classification: Benign. Last evaluated: 2020-01-06. Review status: criteria provided, single submitter. Criteria: LabCorp Variant Classification Summary - May 2015. Collection method: clinical testing. Allele origin: germline.
Comment: Variant summary: TTN c.26951-28_26951-14del15 alters a nucleotide located close to a canonical splice site and therefore could affect mRNA splicing, leading to a significantly altered protein sequence. 5/5 computational tools predict no significant impact on normal splicing. However, these predictions have yet to be confirmed by functional studies. The variant allele was found at a frequency of 0.0003 in 113516 control chromosomes, predominantly at a frequency of 0.0013 within the South Asian subpopulation in the gnomAD database. The observed variant frequency within South Asian control individuals in the gnomAD database is approximately 2 fold of the estimated maximal expected allele frequency for a pathogenic variant in TTN causing Cardiomyopathy phenotype (0.00063), strongly suggesting that the variant is a benign polymorphism found primarily in populations of South Asian origin. To our knowledge, no occurrence of c.26951-28_26951-14del15 in individuals affected with Cardiomyopathy and no experimental evidence demonstrating its impact on protein function have been reported. No clinical diagnostic laboratories have submitted clinical-significance assessments for this variant to ClinVar after 2014. Based on the evidence outlined above, the variant was classified as benign.

NM_001267550.2(TTN):c.30683-28_30683-14del

Gene: TTN (titin; minus strand). Cytogenetic location: 2q31.2.
Variant type: Deletion.
Coding change: c.30683-28_30683-14del on transcript NM_001267550.2 (MANE Select); 28 bases into the intron before coding-DNA position 30683 through 14 bases into the intron before coding-DNA position 30683, 15 bases deleted (CTTTTTTTTTCTTTT).
Molecular consequence: intron variant.
Genome position (GRCh38, 1-based): chr2:178,698,928-178,698,942, AAAAGAAAAAAAAAG deleted on the plus strand (CTTTTTTTTTCTTTT on the coding strand, the reverse complement: TTN is on the minus strand); deleting any 15 consecutive bases within chr2:178,698,928-178,698,946 gives the same sequence; the c. name uses the placement nearest the transcript's 3' end. VCF-style (leftmost placement, unchanged base first): chr2-178698927-AAAAAGAAAAAAAAAG-A. GRCh37 (hg19) VCF-style: chr2-179563654-AAAAAGAAAAAAAAAG-A.
Other names: c.26951-28_26951-14del15 (NM_133378.4); c.13282+39140_13282+39154del (NM_003319.4); c.13858+39140_13858+39154del (NM_133437.4); c.13657+39140_13657+39154del (NM_133432.3); c.26951-28_26951-14del (NM_133378.4); c.29732-28_29732-14del (NM_001256850.1).
Identifiers: ClinVar variation 917635 (VCV000917635.6), dbSNP rs776394673, ClinGen allele CA1999059.